The following is an entry in ClinVar:

ClinVar aggregate classification (germline): Uncertain significance (1 of 4 stars; one submission).

Conditions:
Mitochondrial hypertrophic cardiomyopathy with lactic acidosis due to MTO1 deficiency. Also called: CARDIOMYOPATHY, INFANTILE HYPERTROPHIC MITOCHONDRIAL, AND LACTIC ACIDOSIS; Combined oxidative phosphorylation deficiency 10. Identifiers: Orphanet 314637, MedGen C4749921, MONDO:0013865, OMIM 614702.

Submission:

Labcorp Genetics (formerly Invitae), Labcorp
Classification: Uncertain significance for Mitochondrial hypertrophic cardiomyopathy with lactic acidosis due to MTO1 deficiency. Last evaluated: 2021-08-03. Review status: criteria provided, single submitter. Criteria: Invitae Variant Classification Sherloc (09022015). Collection method: clinical testing. Allele origin: germline.
Comment: This sequence change replaces glycine with cysteine at codon 8 of the MTO1 protein (p.Gly8Cys). The glycine residue is weakly conserved and there is a large physicochemical difference between glycine and cysteine. This variant is not present in population databases (ExAC no frequency). This variant has not been reported in the literature in individuals affected with MTO1-related conditions. Algorithms developed to predict the effect of missense changes on protein structure and function (SIFT, PolyPhen-2, Align-GVGD) all suggest that this variant is likely to be tolerated. In summary, the available evidence is currently insufficient to determine the role of this variant in disease. Therefore, it has been classified as a Variant of Uncertain Significance.

NM_012123.4(MTO1):c.22G>T (p.Gly8Cys)

Gene: MTO1 (mitochondrial tRNA translation optimization 1; plus strand). Cytogenetic location: 6q13.
Variant type: single nucleotide variant.
Coding change: c.22G>T on transcript NM_012123.4 (MANE Select); coding-DNA position 22, G replaced by T.
Protein change: p.Gly8Cys; replaces glycine 8 with cysteine.
Molecular consequence: missense variant.
Genome position (GRCh38, 1-based): chr6:73,461,876, G>T. VCF-style: chr6-73461876-G-T. GRCh37 (hg19) VCF-style: chr6-74171599-G-T.
Other names: c.22G>T, p.Gly8Cys (NM_001123226.2, NM_133645.3); short protein forms G8C.
Identifiers: ClinVar variation 1460818 (VCV001460818.6), dbSNP rs2150024316, ClinGen allele CA364711735.